The following is an entry in ClinVar:

NM_080473.5(GATA5):c.1160G>A (p.Arg387His)

Gene: GATA5 (GATA binding protein 5; minus strand). Cytogenetic location: 20q13.33.
Variant type: single nucleotide variant.
Coding change: c.1160G>A on transcript NM_080473.5 (MANE Select); coding-DNA position 1160, G replaced by A.
Protein change: p.Arg387His; replaces arginine 387 with histidine.
Molecular consequence: missense variant.
Genome position (GRCh38, 1-based): chr20:62,464,870, C>T on the plus strand (G>A on the coding strand, the complement: GATA5 is on the minus strand). VCF-style: chr20-62464870-C-T. GRCh37 (hg19) VCF-style: chr20-61039926-C-T.
Other names: short protein forms R387H.
Identifiers: ClinVar variation 1320928 (VCV001320928.6), dbSNP rs145330430, ClinGen allele CA9946017.

ClinVar aggregate classification (germline): Uncertain significance. Review status: criteria provided, multiple submitters, no conflicts (2 of 4 stars). 2 submissions from 2 submitters: Uncertain significance (2). Last evaluated 2025-10-01.

Allele frequency attached by ClinVar (database versions not stated): gnomAD 0.00003 and 0.00004; TOPMed 0.00003; ExAC 0.00004; ESP Exome Variant Server 0.00008.

Submissions (2):

Labcorp Genetics (formerly Invitae), Labcorp
Classification: Uncertain significance. Last evaluated: 2025-10-01. Review status: criteria provided, single submitter. Criteria: Invitae Variant Classification Sherloc (09022015). Collection method: clinical testing. Allele origin: germline.
Comment: This sequence change replaces arginine, which is basic and polar, with histidine, which is basic and polar, at codon 387 of the GATA5 protein (p.Arg387His). This variant is present in population databases (rs145330430, gnomAD 0.02%). This variant has not been reported in the literature in individuals affected with GATA5-related conditions. ClinVar contains an entry for this variant (Variation ID: 1320928). An algorithm developed to predict the effect of missense changes on protein structure and function outputs the following: PolyPhen-2: "Benign". The histidine amino acid residue is found in multiple mammalian species, which suggests that this missense change does not adversely affect protein function. In summary, the available evidence is currently insufficient to determine the role of this variant in disease. Therefore, it has been classified as a Variant of Uncertain Significance.

GeneDx
Classification: Uncertain significance. Last evaluated: 2019-10-30. Review status: criteria provided, single submitter. Criteria: GeneDx Variant Classification Process June 2021. Collection method: clinical testing. Allele origin: germline. Affected: yes.
Comment: Has not been previously published as pathogenic or benign to our knowledge; In silico analysis, which includes protein predictors and evolutionary conservation, supports a deleterious effect